The following is an entry in ClinVar:

NM_000898.5(MAOB):c.1431C>T (p.Ile477=)

Gene: MAOB (monoamine oxidase B; minus strand). Cytogenetic location: Xp11.3.
Variant type: single nucleotide variant.
Coding change: c.1431C>T on transcript NM_000898.5 (MANE Select); coding-DNA position 1431, C replaced by T.
Protein change: p.Ile477=; no amino-acid change (isoleucine 477 retained).
Molecular consequence: synonymous variant.
Genome position (GRCh38, 1-based): chrX:43,767,598, G>A on the plus strand (C>T on the coding strand, the complement: MAOB is on the minus strand). VCF-style: chrX-43767598-G-A. GRCh37 (hg19) VCF-style: chrX-43626845-G-A.
Identifiers: ClinVar variation 2660359 (VCV002660359.24), dbSNP rs140262266, ClinGen allele CA10391037.
Genomic context (GRCh38, chrX:43,767,598, plus strand): 5'-TCCAATCAGCCTGAGCAGGCCTGGCACGGAGGGCAAATGTCTCTCCAAAAAGGTGGTGGT[G>A]ATGGGCTGTGCAGGGACATCCTAGGTTCAGAAAACATTGGGTATTAGTACAGGGCTTGTG-3'
Protein context (NP_000889.3, residues 467-487): PESVDVPAQP[Ile477=]TTTFLERHLP

ClinVar aggregate classification (germline): Likely benign (1 of 4 stars; one submission).

Allele frequency attached by ClinVar (database versions not stated): gnomAD 0.00020; TOPMed 0.00024; ExAC 0.00025; gnomAD exomes 0.00025; ESP Exome Variant Server 0.00047.
gnomAD v4.1: 300 of 1,208,508 alleles (0.025%); highest among the groups gnomAD compares: Non-Finnish European, 0.018%; no homozygotes.

Submission:

CeGaT Center for Human Genetics Tuebingen
Classification: Likely benign. Last evaluated: 2023-02-01. Review status: criteria provided, single submitter. Criteria: CeGaT Center For Human Genetics Tuebingen Variant Classification Criteria Version 2. Collection method: clinical testing. Allele origin: germline. Affected: yes. Observed: 1 variant allele.
Comment: MAOB: BP4, BP7, BS2